The following is an entry in ClinVar:

NM_001844.5(COL2A1):c.2156G>A (p.Arg719His)

Gene: COL2A1 (collagen type II alpha 1 chain; minus strand). Cytogenetic location: 12q13.11.
Variant type: single nucleotide variant.
Coding change: c.2156G>A on transcript NM_001844.5 (MANE Select); coding-DNA position 2156, G replaced by A.
Protein change: p.Arg719His; replaces arginine 719 with histidine.
Molecular consequence: missense variant.
Genome position (GRCh38, 1-based): chr12:47,982,885, C>T on the plus strand (G>A on the coding strand, the complement: COL2A1 is on the minus strand). VCF-style: chr12-47982885-C-T. GRCh37 (hg19) VCF-style: chr12-48376668-C-T.
Other names: c.1949G>A, p.Arg650His (NM_033150.3); short protein forms R650H, R719H.
Identifiers: ClinVar variation 1702529 (VCV001702529.6), dbSNP rs535980544, ClinGen allele CA6535212.

ClinVar aggregate classification (germline): Uncertain significance. Review status: criteria provided, multiple submitters, no conflicts (2 of 4 stars). 2 submissions from 2 submitters: Uncertain significance (2). Last evaluated 2025-02-15.

Conditions:
Connective tissue disorder. Also called: Connective tissue disease. Identifiers: MedGen C0009782, MONDO:0003900.

Allele frequency attached by ClinVar (database versions not stated): gnomAD exomes 0.00001; 1000 Genomes Project 30x 0.00016; gnomAD 0.00001; ExAC 0.00001; 1000 Genomes Project 0.00020.
gnomAD v4.1: 6 of 1,612,848 alleles (0.00037%); highest among the groups gnomAD compares: East Asian, 0.0022%; no homozygotes.

Submissions (2):

Labcorp Genetics (formerly Invitae), Labcorp
Classification: Uncertain significance. Last evaluated: 2025-02-15. Review status: criteria provided, single submitter. Criteria: Invitae Variant Classification Sherloc (09022015). Collection method: clinical testing. Allele origin: germline.
Comment: This sequence change replaces arginine, which is basic and polar, with histidine, which is basic and polar, at codon 719 of the COL2A1 protein (p.Arg719His). The frequency data for this variant in the population databases is considered unreliable, as metrics indicate poor data quality at this position in the gnomAD database. This variant has not been reported in the literature in individuals affected with COL2A1-related conditions. ClinVar contains an entry for this variant (Variation ID: 1702529). Invitae Evidence Modeling of protein sequence and biophysical properties (such as structural, functional, and spatial information, amino acid conservation, physicochemical variation, residue mobility, and thermodynamic stability) has been performed for this missense variant. However, the output from this modeling did not meet the statistical confidence thresholds required to predict the impact of this variant on COL2A1 protein function. This variant disrupts the p.Arg719 amino acid residue in COL2A1. Other variant(s) that disrupt this residue have been determined to be pathogenic (PMID: 1975693, 1985108, 26443184). This suggests that this residue is clinically significant, and that variants that disrupt this residue are likely to be disease-causing. In summary, the available evidence is currently insufficient to determine the role of this variant in disease. Therefore, it has been classified as a Variant of Uncertain Significance.

Genome Diagnostics Laboratory, The Hospital for Sick Children
Classification: Uncertain significance for Connective tissue disorder. Last evaluated: 2020-03-05. Review status: criteria provided, single submitter. Criteria: ACMG Guidelines, 2015. Collection method: clinical testing. Allele origin: germline.

Literature cited by the submitters: PubMed 1975693 (cited by Labcorp Genetics (formerly Invitae), Labcorp); PubMed 1985108 (cited by Labcorp Genetics (formerly Invitae), Labcorp); PubMed 26443184 (cited by Labcorp Genetics (formerly Invitae), Labcorp).